The following is an entry in ClinVar:

ClinVar aggregate classification (germline): Benign/Likely benign. Review status: criteria provided, multiple submitters, no conflicts (2 of 4 stars). 3 submissions from 3 submitters: Benign (1); Likely benign (2). Last evaluated 2022-07-01.

Allele frequency attached by ClinVar (database versions not stated): ExAC 0.00291; gnomAD exomes 0.00298 and 0.00277; gnomAD 0.00393 and 0.00399; TOPMed 0.00429; ESP Exome Variant Server 0.00469; 1000 Genomes Project 0.00499; 1000 Genomes Project 30x 0.00500.
gnomAD v4.1: 4,739 of 1,613,562 alleles (0.29%); highest among the groups gnomAD compares: African/African-American, 0.79%; 15 homozygotes.

Submissions (28):

CeGaT Center for Human Genetics Tuebingen
Classification: Benign. Last evaluated: 2022-07-01. Review status: criteria provided, single submitter. Criteria: CeGaT Center For Human Genetics Tuebingen Variant Classification Criteria Version 2. Collection method: clinical testing. Allele origin: germline. Affected: yes. Observed: 2 variant alleles.
Comment: FLII: BP4, BS1, BS2

Labcorp Genetics (formerly Invitae), Labcorp
Classification: Likely benign. Last evaluated: 2019-12-31. Review status: criteria provided, single submitter. Criteria: Invitae Variant Classification Sherloc (09022015). Collection method: clinical testing. Allele origin: germline.

Breakthrough Genomics
Classification: Likely benign. Review status: criteria provided, single submitter. Criteria: ACMG Guidelines, 2015. Collection method: not provided. Allele origin: germline. Inheritance: Unknown mechanism. Affected: yes.

Dr. Peter K. Rogan Lab, Western University
No classification provided (evidence only). Condition: Clear cell carcinoma of kidney. Review status: no classification provided. Collection method: in vitro. Allele origin: not applicable. Functional consequence: retained intron. Not counted in ClinVar's aggregate classification.

Dr. Peter K. Rogan Lab, Western University
No classification provided (evidence only). Condition: Clear cell carcinoma of kidney. Review status: no classification provided. Collection method: in vitro. Allele origin: not applicable. Functional consequence: retained intron. Not counted in ClinVar's aggregate classification.

Dr. Peter K. Rogan Lab, Western University
No classification provided (evidence only). Condition: Clear cell carcinoma of kidney. Review status: no classification provided. Collection method: in vitro. Allele origin: not applicable. Functional consequence: retained intron. Not counted in ClinVar's aggregate classification.

Dr. Peter K. Rogan Lab, Western University
No classification provided (evidence only). Condition: Clear cell carcinoma of kidney. Review status: no classification provided. Collection method: in vitro. Allele origin: not applicable. Functional consequence: retained intron. Not counted in ClinVar's aggregate classification.

Dr. Peter K. Rogan Lab, Western University
No classification provided (evidence only). Condition: Lung cancer. Review status: no classification provided. Collection method: in vitro. Allele origin: not applicable. Functional consequence: retained intron. Not counted in ClinVar's aggregate classification.

Dr. Peter K. Rogan Lab, Western University
No classification provided (evidence only). Condition: Lung cancer. Review status: no classification provided. Collection method: in vitro. Allele origin: not applicable. Functional consequence: retained intron. Not counted in ClinVar's aggregate classification.

Dr. Peter K. Rogan Lab, Western University
No classification provided (evidence only). Condition: Lung cancer. Review status: no classification provided. Collection method: in vitro. Allele origin: not applicable. Functional consequence: retained intron. Not counted in ClinVar's aggregate classification.

Dr. Peter K. Rogan Lab, Western University
No classification provided (evidence only). Condition: Lung cancer. Review status: no classification provided. Collection method: in vitro. Allele origin: not applicable. Functional consequence: retained intron. Not counted in ClinVar's aggregate classification.

Dr. Peter K. Rogan Lab, Western University
No classification provided (evidence only). Condition: Lung cancer. Review status: no classification provided. Collection method: in vitro. Allele origin: not applicable. Functional consequence: retained intron. Not counted in ClinVar's aggregate classification.

Dr. Peter K. Rogan Lab, Western University
No classification provided (evidence only). Condition: Melanoma. Review status: no classification provided. Collection method: in vitro. Allele origin: not applicable. Functional consequence: retained intron. Not counted in ClinVar's aggregate classification.

Dr. Peter K. Rogan Lab, Western University
No classification provided (evidence only). Condition: Colon adenocarcinoma. Review status: no classification provided. Collection method: in vitro. Allele origin: not applicable. Functional consequence: retained intron. Not counted in ClinVar's aggregate classification.

Dr. Peter K. Rogan Lab, Western University
No classification provided (evidence only). Condition: Colon adenocarcinoma. Review status: no classification provided. Collection method: in vitro. Allele origin: not applicable. Functional consequence: retained intron. Not counted in ClinVar's aggregate classification.

Dr. Peter K. Rogan Lab, Western University
No classification provided (evidence only). Condition: Thyroid cancer, nonmedullary, 1. Review status: no classification provided. Collection method: in vitro. Allele origin: not applicable. Functional consequence: retained intron. Not counted in ClinVar's aggregate classification.

Dr. Peter K. Rogan Lab, Western University
No classification provided (evidence only). Condition: Uterine corpus endometrial carcinoma. Review status: no classification provided. Collection method: in vitro. Allele origin: not applicable. Functional consequence: retained intron. Not counted in ClinVar's aggregate classification.

Dr. Peter K. Rogan Lab, Western University
No classification provided (evidence only). Condition: Uterine corpus endometrial carcinoma. Review status: no classification provided. Collection method: in vitro. Allele origin: not applicable. Functional consequence: retained intron. Not counted in ClinVar's aggregate classification.

Dr. Peter K. Rogan Lab, Western University
No classification provided (evidence only). Condition: Cervical cancer. Review status: no classification provided. Collection method: in vitro. Allele origin: not applicable. Functional consequence: retained intron. Not counted in ClinVar's aggregate classification.

Dr. Peter K. Rogan Lab, Western University
No classification provided (evidence only). Condition: Hepatocellular carcinoma. Review status: no classification provided. Collection method: in vitro. Allele origin: not applicable. Functional consequence: retained intron. Not counted in ClinVar's aggregate classification.

Dr. Peter K. Rogan Lab, Western University
No classification provided (evidence only). Condition: Hepatocellular carcinoma. Review status: no classification provided. Collection method: in vitro. Allele origin: not applicable. Functional consequence: retained intron. Not counted in ClinVar's aggregate classification.

Dr. Peter K. Rogan Lab, Western University
No classification provided (evidence only). Condition: Nonpapillary renal cell carcinoma. Review status: no classification provided. Collection method: in vitro. Allele origin: not applicable. Functional consequence: retained intron. Not counted in ClinVar's aggregate classification.

Dr. Peter K. Rogan Lab, Western University
No classification provided (evidence only). Condition: Nonpapillary renal cell carcinoma. Review status: no classification provided. Collection method: in vitro. Allele origin: not applicable. Functional consequence: retained intron. Not counted in ClinVar's aggregate classification.

Dr. Peter K. Rogan Lab, Western University
No classification provided (evidence only). Condition: Thymoma. Review status: no classification provided. Collection method: in vitro. Allele origin: not applicable. Functional consequence: retained intron. Not counted in ClinVar's aggregate classification.

Dr. Peter K. Rogan Lab, Western University
No classification provided (evidence only). Condition: Cholangiocarcinoma. Review status: no classification provided. Collection method: in vitro. Allele origin: not applicable. Functional consequence: retained intron. Not counted in ClinVar's aggregate classification.

Dr. Peter K. Rogan Lab, Western University
No classification provided (evidence only). Condition: Ovarian serous cystadenocarcinoma. Review status: no classification provided. Collection method: in vitro. Allele origin: not applicable. Functional consequence: retained intron. Not counted in ClinVar's aggregate classification.

Dr. Peter K. Rogan Lab, Western University
No classification provided (evidence only). Condition: Adrenocortical carcinoma, hereditary. Review status: no classification provided. Collection method: in vitro. Allele origin: not applicable. Functional consequence: retained intron. Not counted in ClinVar's aggregate classification.

Dr. Peter K. Rogan Lab, Western University
No classification provided (evidence only). Condition: Malignant tumor of esophagus. Review status: no classification provided. Collection method: in vitro. Allele origin: not applicable. Functional consequence: retained intron. Not counted in ClinVar's aggregate classification.

NM_002018.4(FLII):c.1091A>T (p.Glu364Val)

Gene: FLII (FLII actin remodeling protein; minus strand). Cytogenetic location: 17p11.2.
Variant type: single nucleotide variant.
Coding change: c.1091A>T on transcript NM_002018.4 (MANE Select); coding-DNA position 1091, A replaced by T.
Protein change: p.Glu364Val; replaces glutamic acid 364 with valine.
Molecular consequence: missense variant.
Genome position (GRCh38, 1-based): chr17:18,252,479, T>A on the plus strand (A>T on the coding strand, the complement: FLII is on the minus strand). VCF-style: chr17-18252479-T-A. GRCh37 (hg19) VCF-style: chr17-18155793-T-A.
Other names: NC_000017.10:g.18155793T>A; c.1058A>T, p.Glu353Val (NM_001256264.2); c.929A>T, p.Glu310Val (NM_001256265.2); short protein forms E353V, E310V, E364V.
Identifiers: ClinVar variation 791563 (VCV000791563.30), dbSNP rs61741784, ClinGen allele CA8428652.